The following is an entry in ClinVar:

Single allele

Genes: DPRX (divergent-paired related homeobox; plus strand), ZNF331 (zinc finger protein 331; plus strand), LOC126862930 (P300/CBP strongly-dependent group 1 enhancer GRCh37_chr19:54080110-54081309; plus strand). Cytogenetic location: 19q13.42.
Variant type: Deletion.
Identifiers: ClinVar variation 2691771 (VCV002691771.2).

ClinVar aggregate classification (germline): Uncertain significance (0 of 4 stars; one submission).

Conditions:
ZNF331 deletion.

Submission:

Undiagnosed Diseases Network, NIH
Classification: Uncertain significance for ZNF331 deletion. Last evaluated: 2023-01-31. Review status: no assertion criteria provided. Collection method: clinical testing, research. Allele origin: paternal. Inheritance: Autosomal dominant inheritance with maternal imprinting. Affected: yes. Observed: 4 variant alleles, 4 heterozygotes. Clinical features observed: Macrocephaly at birth (HP:0004488), Tongue nodules (HP:0000199), Macrocephaly (HP:0000256), Megalocornea (HP:0000485), Downslanted palpebral fissures (HP:0000494), Blue irides (HP:0000635), Nystagmus (HP:0000639), Seizure (HP:0001250), Generalized hypotonia (HP:0001290), Myopathic facies (HP:0002058), Hyponatremia (HP:0002902), Postnatal macrocephaly (HP:0005490), and 4 more. Study: Undiagnosed Diseases Network (NIH), UDN.
Comment: Segregates in one family in 4 affected cousins, who are children of 3 carrier fathers. Healthy carriers in the family have the deletion on their maternal alleles (except not tested in oldest generation). 2 healthy children of carrier fathers are negative for the deletion.